The following is an entry in ClinVar:

NM_001034853.2(RPGR):c.3020_3031del (p.Glu1007_Glu1010del)

Gene: RPGR (retinitis pigmentosa GTPase regulator; minus strand). Cytogenetic location: Xp11.4.
Variant type: Deletion.
Coding change: c.3020_3031del on transcript NM_001034853.2 (MANE Select); coding-DNA positions 3020 to 3031, 12 bases deleted (AAGAAGGGGAGG).
Protein change: p.Glu1007_Glu1010del.
Molecular consequence: inframe deletion. On other transcripts: intron variant (8).
Genome position (GRCh38, 1-based): chrX:38,285,968-38,285,979, CCTCCCCTTCTT deleted on the plus strand (AAGAAGGGGAGG on the coding strand, the reverse complement: RPGR is on the minus strand); deleting any 12 consecutive bases within chrX:38,285,968-38,285,983 gives the same sequence; the c. name uses the placement nearest the transcript's 3' end. VCF-style (leftmost placement, unchanged base first): chrX-38285967-CCCTCCCCTTCTT-C. GRCh37 (hg19) VCF-style: chrX-38145220-CCCTCCCCTTCTT-C.
Other names: c.1569+4980_1569+4991del (NM_001367249.1, NM_001367250.1); c.1902+1115_1902+1126del (NM_001367245.1); c.1386+4980_1386+4991del (NM_001367251.1); c.1719+1115_1719+1126del (NM_001367246.1); c.1572+4980_1572+4991del (NM_001367247.1); c.1905+1115_1905+1126del (NM_000328.3); c.1602+4980_1602+4991del (NM_001367248.1); c.3020_3031del12 (NM_001034853.1).
Identifiers: ClinVar variation 1919122 (VCV001919122.6), dbSNP rs748744854, ClinGen allele CA10385222.

ClinVar aggregate classification (germline): Conflicting classifications of pathogenicity. Review status: criteria provided, conflicting classifications (1 of 4 stars). 3 submissions from 3 submitters: Uncertain significance (1); Likely benign (2). Last evaluated 2026-01-26.

Conditions:
RPGR-related disorder. Also called: RPGR-related condition.
Primary ciliary dyskinesia. Also called: Ciliary dyskinesia. Identifiers: Orphanet 244, MedGen C0008780, MONDO:0016575, HP:0012265.

Submissions (3):

PreventionGenetics, part of Exact Sciences
Classification: Likely benign for RPGR-related condition. Last evaluated: 2026-01-26. Review status: criteria provided, single submitter. Criteria: ACMG Guidelines, 2015. Collection method: clinical testing. Allele origin: germline.
Comment: This variant is classified as likely benign based on ACMG/AMP sequence variant interpretation guidelines (Richards et al. 2015 PMID: 25741868, with internal and published modifications).

Labcorp Genetics (formerly Invitae), Labcorp
Classification: Uncertain significance for Primary ciliary dyskinesia. Last evaluated: 2024-10-24. Review status: criteria provided, single submitter. Criteria: Invitae Variant Classification Sherloc (09022015). Collection method: clinical testing. Allele origin: germline.
Comment: This variant, c.3020_3031del, results in the deletion of 4 amino acid(s) of the RPGR (ORF15) protein (p.Glu1007_Glu1010del), but otherwise preserves the integrity of the reading frame. The frequency data for this variant in the population databases is considered unreliable, as metrics indicate poor data quality at this position in the gnomAD database. This variant has not been reported in the literature in individuals affected with RPGR (ORF15)-related conditions. ClinVar contains an entry for this variant (Variation ID: 1919122). Experimental studies and prediction algorithms are not available or were not evaluated, and the functional significance of this variant is currently unknown. In summary, the available evidence is currently insufficient to determine the role of this variant in disease. Therefore, it has been classified as a Variant of Uncertain Significance.

Blueprint Genetics
Classification: Likely benign. Last evaluated: 2024-07-15. Review status: criteria provided, single submitter. Criteria: ACMG Guidelines, 2015. Collection method: clinical testing. Allele origin: germline.